The following is an entry in ClinVar:

ClinVar aggregate classification (germline): Uncertain significance. Review status: criteria provided, multiple submitters, no conflicts (2 of 4 stars). 2 submissions from 2 submitters: Uncertain significance (2). Last evaluated 2024-11-12.

Conditions:
Long QT syndrome (LQTS). Identifiers: MedGen C0023976, MeSH D008133, MONDO:0002442. Disease mechanism: loss of function. Inheritance: Various modes of inheritance.

Submissions (2):

GeneDx
Classification: Uncertain significance. Last evaluated: 2024-11-12. Review status: criteria provided, single submitter. Criteria: GeneDx Variant Classification Process June 2021. Collection method: clinical testing. Allele origin: germline. Affected: yes.
Comment: Not observed at significant frequency in large population cohorts (gnomAD); In silico analysis indicates that this missense variant does not alter protein structure/function; Has not been previously published as pathogenic or benign to our knowledge

Labcorp Genetics (formerly Invitae), Labcorp
Classification: Uncertain significance for Long QT syndrome. Last evaluated: 2023-09-04. Review status: criteria provided, single submitter. Criteria: Invitae Variant Classification Sherloc (09022015). Collection method: clinical testing. Allele origin: germline.
Comment: In summary, the available evidence is currently insufficient to determine the role of this variant in disease. Therefore, it has been classified as a Variant of Uncertain Significance. Advanced modeling of protein sequence and biophysical properties (such as structural, functional, and spatial information, amino acid conservation, physicochemical variation, residue mobility, and thermodynamic stability) performed at Invitae indicates that this missense variant is not expected to disrupt CACNA1C protein function. This sequence change replaces alanine, which is neutral and non-polar, with valine, which is neutral and non-polar, at codon 1250 of the CACNA1C protein (p.Ala1250Val). This variant is not present in population databases (gnomAD no frequency). This variant has not been reported in the literature in individuals affected with CACNA1C-related conditions.

NM_000719.7(CACNA1C):c.3749C>T (p.Ala1250Val)

Gene: CACNA1C (calcium voltage-gated channel subunit alpha1 C; plus strand). Cytogenetic location: 12p13.33.
Variant type: single nucleotide variant.
Coding change: c.3749C>T on transcript NM_000719.7 (MANE Select); coding-DNA position 3749, C replaced by T.
Protein change: p.Ala1250Val; replaces alanine 1250 with valine.
Molecular consequence: missense variant.
Genome position (GRCh38, 1-based): chr12:2,611,934, C>T. VCF-style: chr12-2611934-C-T. GRCh37 (hg19) VCF-style: chr12-2721100-C-T.
Other names: c.3809C>T, p.Ala1270Val (NM_001129827.2, NM_001129832.2, NM_199460.4); c.3749C>T, p.Ala1250Val (NM_001129829.2, NM_001129830.3, NM_001129831.2 and 15 more transcripts); c.3740C>T, p.Ala1247Val (NM_001129844.2); short protein forms A1247V, A1250V, A1270V.
Identifiers: ClinVar variation 2757913 (VCV002757913.4), dbSNP rs2519062411, ClinGen allele CA383377156.